The following is an entry in ClinVar:

ClinVar aggregate classification (germline): Likely benign. Review status: criteria provided, multiple submitters, no conflicts (2 of 4 stars). 2 submissions from 2 submitters: Likely benign (2). Last evaluated 2023-12-07.

Conditions:
3-methylcrotonyl-CoA carboxylase 2 deficiency. Also called: METHYLCROTONYLGLYCINURIA, TYPE II; 3 alpha methylcrotonyl-CoA carboxylase 2 deficiency; 3 alpha methylcrotonylglycinuria 2; MCC 2 deficiency; Methylcrotonylglycinuria type 2. Identifiers: Orphanet 6, MedGen C1859499, MONDO:0008862, OMIM 210210.

gnomAD v4.1: 3 of 1,536,804 alleles (0.0002%); highest among the groups gnomAD compares: Admixed American, 0.0059%; no homozygotes.

Submissions (2):

Labcorp Genetics (formerly Invitae), Labcorp
Classification: Likely benign for 3-methylcrotonyl-CoA carboxylase 2 deficiency. Last evaluated: 2023-12-07. Review status: criteria provided, single submitter. Criteria: Invitae Variant Classification Sherloc (09022015). Collection method: clinical testing. Allele origin: germline.

GeneDx
Classification: Likely benign. Last evaluated: 2017-11-16. Review status: criteria provided, single submitter. Criteria: GeneDx Variant Classification (06012015). Collection method: clinical testing. Allele origin: germline. Affected: yes.
Comment: This variant is considered likely benign or benign based on one or more of the following criteria: it is a conservative change, it occurs at a poorly conserved position in the protein, it is predicted to be benign by multiple in silico algorithms, and/or has population frequency not consistent with disease.

NM_022132.5(MCCC2):c.54C>G (p.Ala18=)

Gene: MCCC2 (methylcrotonyl-CoA carboxylase subunit 2; plus strand). Cytogenetic location: 5q13.2.
Variant type: single nucleotide variant.
Coding change: c.54C>G on transcript NM_022132.5 (MANE Select); coding-DNA position 54, C replaced by G.
Protein change: p.Ala18=; no amino-acid change (alanine 18 retained).
Molecular consequence: synonymous variant.
Genome position (GRCh38, 1-based): chr5:71,587,479, C>G. VCF-style: chr5-71587479-C-G. GRCh37 (hg19) VCF-style: chr5-70883306-C-G.
Other names: c.54C>G, p.Ala18= (NM_001363147.1).
Identifiers: ClinVar variation 513584 (VCV000513584.8), dbSNP rs747327321, ClinGen allele CA444799754.
Genomic context (GRCh38, chr5:71,587,479, plus strand): 5'-CGCCGCCATGTGGGCCGTCCTGAGGTTAGCCCTGCGGCCGTGTGCCCGCGCCTCTCCCGC[C>G]GGGCCGCGCGCCTATCACGGGGACTCGGTGGCCTCGCTGGGCACCCAGCCGGACTTGGGC-3'
Protein context (NP_071415.1, residues 8-28): ALRPCARASP[Ala18=]GPRAYHGDSV